The following is an entry in ClinVar:

ClinVar aggregate classification (germline): Pathogenic. Review status: criteria provided, multiple submitters, no conflicts (2 of 4 stars). 9 submissions from 9 submitters: Pathogenic (9). Last evaluated 2025-11-27.

Conditions:
Cardiovascular phenotype. Identifiers: MedGen CN230736.
MYBPC3-related disorder. Also called: MYBPC3-related disorders; MYBPC3-related condition; MYBPC3-related disease.
Hypertrophic cardiomyopathy 4. Also called: Familial hypertrophic cardiomyopathy 4. Identifiers: MedGen C1861862, MONDO:0007268, OMIM 115197.
Left ventricular noncompaction 10 (LVNC10). Identifiers: Orphanet 154, Orphanet 54260, MedGen C3715165, MONDO:0014163, OMIM 615396.
Cardiomyopathy (CMYO). Also called: Cardiomyopathies. Identifiers: Orphanet 167848, MedGen C0878544, MONDO:0004994, HP:0001638. Inheritance: Various modes of inheritance.
Hypertrophic cardiomyopathy. Also called: HYPERTROPHIC MYOCARDIOPATHY. Identifiers: Orphanet 217569, MedGen C0007194, MeSH D002312, MONDO:0005045, HP:0001639.

Allele frequency attached by ClinVar (database versions not stated): gnomAD exomes 0.00001; ExAC 0.00002.
gnomAD v4.1: 3 of 1,599,948 alleles (0.00019%); highest among the groups gnomAD compares: Non-Finnish European, 0.00025%; no homozygotes.

Submissions (9):

Labcorp Genetics (formerly Invitae), Labcorp
Classification: Pathogenic for Hypertrophic cardiomyopathy. Last evaluated: 2025-11-27. Review status: criteria provided, single submitter. Criteria: Invitae Variant Classification Sherloc (09022015). Collection method: clinical testing. Allele origin: germline.
Comment: This sequence change affects a donor splice site in intron 29 of the MYBPC3 gene. It is expected to disrupt RNA splicing. Variants that disrupt the donor or acceptor splice site typically lead to a loss of protein function (PMID: 16199547), and loss-of-function variants in MYBPC3 are known to be pathogenic (PMID: 19574547). This variant is present in population databases (rs113358486, gnomAD 0.002%). Disruption of this splice site has been observed in individuals with hypertrophic cardiomyopathy (PMID: 24111713, 26914223, 27532257). ClinVar contains an entry for this variant (Variation ID: 42691). Algorithms developed to predict the effect of sequence changes on RNA splicing suggest that this variant may disrupt the consensus splice site. For these reasons, this variant has been classified as Pathogenic.

Color Diagnostics, LLC DBA Color Health
Classification: Pathogenic for Cardiomyopathy. Last evaluated: 2025-06-09. Review status: criteria provided, single submitter. Criteria: ACMG Guidelines, 2015. Collection method: clinical testing. Allele origin: germline.
Comment: This variant causes a T to G nucleotide substitution at the +2 position of intron 29 of the MYBPC3 gene. Splice site prediction tools predict that this variant may have a significant impact on RNA splicing. Although this prediction has not been confirmed in published RNA studies, this variant is expected to result in an absent or disrupted protein product. This variant has been reported in more than forty individuals affected with hypertrophic cardiomyopathy (PMID: 24111713, 26914223, 27532257, 28971120, 33673806, 35653365). This variant has been identified in 2/239022 chromosomes in the general population by the Genome Aggregation Database (gnomAD). Loss of MYBPC3 function is a known mechanism of disease. Based on the available evidence, this variant is classified as Pathogenic.

Blueprint Genetics
Classification: Pathogenic for MYBPC3-related disorders. Last evaluated: 2024-08-19. Review status: criteria provided, single submitter. Criteria: ACMG Guidelines, 2015. Collection method: clinical testing. Allele origin: germline. Affected: yes. Observed: 5 variant alleles.

Clinical Genetics Laboratory, Skane University Hospital Lund
Classification: Pathogenic. Last evaluated: 2022-07-13. Review status: criteria provided, single submitter. Criteria: ACMG Guidelines, 2015. Collection method: clinical testing. Allele origin: germline. Affected: yes.

Fulgent Genetics
Classification: Pathogenic for Hypertrophic cardiomyopathy 4; Left ventricular noncompaction 10. Last evaluated: 2022-04-09. Review status: criteria provided, single submitter. Criteria: ACMG Guidelines, 2015. Collection method: clinical testing. Allele origin: unknown.

GeneDx
Classification: Pathogenic. Last evaluated: 2022-03-16. Review status: criteria provided, single submitter. Criteria: GeneDx Variant Classification Process June 2021. Collection method: clinical testing. Allele origin: germline. Affected: yes.
Comment: Not observed at a significant frequency in large population cohorts (gnomAD); Canonical splice site variant in a gene for which loss-of-function is a known mechanism of disease; This variant is associated with the following publications: (PMID: 27532257, 23690394, 26914223, 24111713, 29121657, 33673806)

Ambry Genetics
Classification: Pathogenic for Cardiovascular phenotype. Last evaluated: 2022-02-25. Review status: criteria provided, single submitter. Criteria: Ambry General Variant Classification Scheme_2022. Collection method: clinical testing. Allele origin: germline. Observed: 1 variant allele.
Comment: The c.3190+2T>G intronic pathogenic mutation results from a T to G substitution two nucleotides after coding exon 29 in the MYBPC3 gene. This alteration has been detected in multiple individuals from cohorts reported to have hypertrophic cardiomyopathy (HCM) and in individuals referred for HCM genetic testing (Berge KE et al. Clin Genet. 2014;86(4):355-60; Walsh R et al. Genet Med. 2017 02;19(2):192-203). This variant is considered to be rare based on population cohorts in the Genome Aggregation Database (gnomAD). In silico splice site analysis predicts that this alteration will weaken the native splice donor site. In addition to the clinical data presented in the literature, alterations that disrupt the canonical splice site are expected to cause aberrant splicing, resulting in an abnormal protein or a transcript that is subject to nonsense-mediated mRNA decay. As such, this alteration is classified as a disease-causing mutation.

Clinical Genetics Laboratory, Region Ostergotland
Classification: Pathogenic for Hypertrophic cardiomyopathy 4. Last evaluated: 2020-12-02. Review status: criteria provided, single submitter. Criteria: ACMG Guidelines, 2015. Collection method: clinical testing. Allele origin: germline. Affected: yes.
Comment: PVS1, PS4, PP3, PP5, BP2

Laboratory for Molecular Medicine, Mass General Brigham Personalized Medicine
Classification: Pathogenic for Hypertrophic cardiomyopathy. Last evaluated: 2018-06-04. Review status: criteria provided, single submitter. Criteria: LMM Criteria. Collection method: clinical testing. Allele origin: germline. Inheritance: Autosomal dominant inheritance. Observed: 14 variant alleles.
Comment: The c.3190+2T>G variant in MYBPC3 has been reported in at least 15 individuals w ith HCM and segregated with disease in 3 affected relatives from 2 families (Ber ge 2014, Walsh 2016, LMM data). It has also been identified in 2/111408 of Europ ean chromosomes by the Genome Aggregation Database (gnomAD; dbSNP rs113358486). This variant occurs in the invariant region (+ /- 1,2) of the splice consensus sequence and is predicted to cause altered splic ing leading to an abnormal or absent protein. Heterozygous loss of function of t he MYBPC3 gene is an established disease mechanism in HCM. In summary, this vari ant meets criteria to be classified as pathogenic for HCM in an autosomal domina nt manner based upon predicted splicing impact, case observations, and segregati on studies. ACMG/AMP criteria applied: PVS1, PS4, PM2, PP1.

Literature cited by the submitters: PubMed 16199547 (cited by Labcorp Genetics (formerly Invitae), Labcorp); PubMed 19574547 (cited by Labcorp Genetics (formerly Invitae), Labcorp); PubMed 24111713 (cited by 4 submitters); PubMed 26914223 (cited by 3 submitters); PubMed 27532257 (cited by 4 submitters); PubMed 28971120 (cited by Color Diagnostics, LLC DBA Color Health); PubMed 33673806 (cited by Color Diagnostics, LLC DBA Color Health and Ambry Genetics); PubMed 35653365 (cited by Color Diagnostics, LLC DBA Color Health); PubMed 29121657 (cited by Ambry Genetics and Laboratory for Molecular Medicine, Mass General Brigham Personalized Medicine); PubMed 23690394 (cited by Laboratory for Molecular Medicine, Mass General Brigham Personalized Medicine).

NM_000256.3(MYBPC3):c.3190+2T>G

Gene: MYBPC3 (myosin binding protein C3; minus strand). Cytogenetic location: 11p11.2.
Variant type: single nucleotide variant.
Coding change: c.3190+2T>G on transcript NM_000256.3 (MANE Select); the canonical splice donor site of the intron after coding-DNA position 3190, T replaced by G.
Molecular consequence: splice donor variant.
Genome position (GRCh38, 1-based): chr11:47,333,555, A>C on the plus strand (T>G on the coding strand, the complement: MYBPC3 is on the minus strand). VCF-style: chr11-47333555-A-C. GRCh37 (hg19) VCF-style: chr11-47355106-A-C.
Identifiers: ClinVar variation 42691 (VCV000042691.29), dbSNP rs113358486, ClinGen allele CA013616.